The following is an entry in ClinVar:

NM_002468.5(MYD88):c.-1C>T

Gene: MYD88 (MYD88 innate immune signal transduction adaptor; plus strand). Cytogenetic location: 3p22.2.
Variant type: single nucleotide variant.
Coding change: c.-1C>T on transcript NM_002468.5 (MANE Select); 1 bases upstream of the start codon, C replaced by T.
Molecular consequence: 5 prime UTR variant.
Genome position (GRCh38, 1-based): chr3:38,138,700, C>T. VCF-style: chr3-38138700-C-T. GRCh37 (hg19) VCF-style: chr3-38180191-C-T.
Other names: c.-1C>T (NM_001172566.2, NM_001172567.2, NM_001172568.2 and 4 more transcripts).
Identifiers: ClinVar variation 3046226 (VCV003046226.2), dbSNP rs564488349, ClinGen allele CA2316013.
Genomic context (GRCh38, chr3:38,138,700, plus strand): 5'-AAAGAGGAAGCGCTGGCAGACAATGCGACCCGACCGCGCTGAGGCTCCAGGACCGCCCGC[C>T]ATGGCTGCAGGAGGTCCCGGCGCGGGGTCTGCGGCCCCGGTCTCCTCCACATCCTCCCTT-3'

ClinVar aggregate classification (germline): Likely benign (0 of 4 stars; one submission).

Conditions:
MYD88-related disorder. Also called: MYD88-related condition.

Allele frequency attached by ClinVar (database versions not stated): gnomAD exomes below 0.00001; ExAC 0.00001; TOPMed 0.00002; gnomAD 0.00003; 1000 Genomes Project 0.00020; 1000 Genomes Project 30x 0.00031.

Submission:

PreventionGenetics, part of Exact Sciences
Classification: Likely benign for MYD88-related condition. Last evaluated: 2023-06-08. Review status: no assertion criteria provided. Collection method: clinical testing. Allele origin: germline.
Comment: This variant is classified as likely benign based on ACMG/AMP sequence variant interpretation guidelines (Richards et al. 2015 PMID: 25741868, with internal and published modifications).